The following is an entry in ClinVar:

ClinVar aggregate classification (germline): Likely benign. Review status: criteria provided, multiple submitters, no conflicts (2 of 4 stars). 3 submissions from 3 submitters: Likely benign (3). Last evaluated 2026-04-01.

Conditions:
Prader-Willi syndrome (PWS). Identifiers: Orphanet 739, MedGen C0032897, MONDO:0008300, OMIM 176270. Disease mechanism: loss of function, Microdeletion. Inheritance: Microdletion.
Developmental delay with autism spectrum disorder and gait instability (MRT38). Also called: Intellectual developmental disorder, autosomal recessive 38. Identifiers: Orphanet 329195, MedGen C3809753, MONDO:0014224, OMIM 615516.
SKIN/HAIR/EYE PIGMENTATION 1, BLUE/NONBLUE EYES (SHEP1). Also called: BROWN EYE COLOR 2; EYE COLOR 3; EYE COLOR, BLUE/NONBLUE; EYE COLOR, BROWN/BLUE; HAIR COLOR 3; SKIN/HAIR/EYE PIGMENTATION 1, BLOND/BROWN HAIR. Identifiers: MedGen C1856895, OMIM 227220.

Allele frequency attached by ClinVar (database versions not stated): 1000 Genomes Project 30x 0.00156; gnomAD 0.00190; TOPMed 0.00219; gnomAD exomes 0.00247 and 0.00322; ExAC 0.00271; 1000 Genomes Project 0.00519.
gnomAD v4.1: 4,973 of 1,611,184 alleles (0.31%); highest among the groups gnomAD compares: South Asian, 0.5%; 16 homozygotes.

Submissions (3):

CeGaT Center for Human Genetics Tuebingen
Classification: Likely benign. Last evaluated: 2026-04-01. Review status: criteria provided, single submitter. Criteria: CeGaT Center For Human Genetics Tuebingen Variant Classification Criteria Version 2. Collection method: clinical testing. Allele origin: germline. Affected: yes. Observed: 14 variant alleles.
Comment: HERC2: BP4, BP7, BS2

Blueprint Genetics
Classification: Likely benign. Last evaluated: 2024-11-23. Review status: criteria provided, single submitter. Criteria: ACMG Guidelines, 2015. Collection method: clinical testing. Allele origin: germline.

Fulgent Genetics
Classification: Likely benign for Prader-Willi syndrome; SKIN/HAIR/EYE PIGMENTATION 1, BLUE/NONBLUE EYES; Developmental delay with autism spectrum disorder and gait instability. Last evaluated: 2022-05-09. Review status: criteria provided, single submitter. Criteria: ACMG Guidelines, 2015. Collection method: clinical testing. Allele origin: unknown.

NM_004667.6(HERC2):c.3687C>T (p.Asp1229=)

Gene: HERC2 (HECT and RLD domain containing E3 ubiquitin protein ligase 2; minus strand). Cytogenetic location: 15q13.1.
Variant type: single nucleotide variant.
Coding change: c.3687C>T on transcript NM_004667.6 (MANE Select); coding-DNA position 3687, C replaced by T.
Protein change: p.Asp1229=; no amino-acid change (aspartic acid 1229 retained).
Molecular consequence: synonymous variant.
Genome position (GRCh38, 1-based): chr15:28,238,663, G>A on the plus strand (C>T on the coding strand, the complement: HERC2 is on the minus strand). VCF-style: chr15-28238663-G-A. GRCh37 (hg19) VCF-style: chr15-28483809-G-A.
Identifiers: ClinVar variation 1298609 (VCV001298609.37), dbSNP rs149204675, ClinGen allele CA7442847.